The following is an entry in ClinVar:

NM_031443.4(CCM2):c.93A>C (p.Lys31Asn)

Gene: CCM2 (CCM2 scaffold protein; plus strand). Cytogenetic location: 7p13.
Variant type: single nucleotide variant.
Coding change: c.93A>C on transcript NM_031443.4 (MANE Select); coding-DNA position 93, A replaced by C.
Protein change: p.Lys31Asn; replaces lysine 31 with asparagine.
Molecular consequence: missense variant. On other transcripts: non-coding transcript variant (1), intron variant (2).
Genome position (GRCh38, 1-based): chr7:45,038,315, A>C. VCF-style: chr7-45038315-A-C. GRCh37 (hg19) VCF-style: chr7-45077914-A-C.
Other names: c.156A>C, p.Lys52Asn (NM_001029835.2); c.93A>C, p.Lys31Asn (NM_001167935.2, NM_001363458.2); c.31-25603A>C (NM_001363459.2, NM_001167934.2); short protein forms K31N, K52N.
Identifiers: ClinVar variation 1803741 (VCV001803741.1), dbSNP rs2485984994, ClinGen allele CA367426810.

ClinVar aggregate classification (germline): Uncertain significance (1 of 4 stars; one submission).

Conditions:
Cerebral cavernous malformation 2. Also called: Familial Cerebral Cavernous Malformation 2. Identifiers: Orphanet 221061, MedGen C1864041, MONDO:0011304, OMIM 603284.

Allele frequency attached by ClinVar (database versions not stated): gnomAD exomes below 0.00001.
gnomAD v4.1: 2 of 1,614,232 alleles (0.00012%); highest among the groups gnomAD compares: Non-Finnish European, 0.00017%; no homozygotes.

Submission:

HudsonAlpha Institute for Biotechnology
Classification: Uncertain significance for Cerebral cavernous malformation 2. Last evaluated: 2022-06-21. Review status: criteria provided, single submitter. Criteria: ACMG Guidelines, 2015. Collection method: research. Allele origin: unknown. Observed: 1 variant allele. Study: HudsonAlpha-AGHI-WGS.
Comment: ACMG codes:PM2_Moderate